The following is an entry in ClinVar:

ClinVar aggregate classification (germline): Benign. Review status: criteria provided, multiple submitters, no conflicts (2 of 4 stars). 5 submissions from 5 submitters: Benign (3). 2 of the submissions do not count toward it. Last evaluated 2026-02-02.

Conditions:
MRPL44-related disorder. Also called: MRPL44-related condition.

Allele frequency attached by ClinVar (database versions not stated): gnomAD exomes 0.01473; ExAC 0.01844; gnomAD 0.05453 and 0.05850; 1000 Genomes Project 0.05811; 1000 Genomes Project 30x 0.06027; TOPMed 0.06149; ESP Exome Variant Server 0.06459.
gnomAD v4.1: 16,606 of 1,613,218 alleles (1%); highest among the groups gnomAD compares: African/African-American, 19%; 1,461 homozygotes.

Submissions (5):

Labcorp Genetics (formerly Invitae), Labcorp
Classification: Benign. Last evaluated: 2026-02-02. Review status: criteria provided, single submitter. Criteria: Invitae Variant Classification Sherloc (09022015). Collection method: clinical testing. Allele origin: germline.

GeneDx
Classification: Benign. Last evaluated: 2013-12-09. Review status: criteria provided, single submitter. Criteria: GeneDx Variant Classification (06012015). Collection method: clinical testing. Allele origin: germline. Affected: yes.
Comment: This variant is considered likely benign or benign based on one or more of the following criteria: it is a conservative change, it occurs at a poorly conserved position in the protein, it is predicted to be benign by multiple in silico algorithms, and/or has population frequency not consistent with disease.

Breakthrough Genomics
Classification: Benign. Review status: criteria provided, single submitter. Criteria: ACMG Guidelines, 2015. Collection method: not provided. Allele origin: germline. Inheritance: Autosomal recessive inheritance. Affected: yes.

PreventionGenetics, part of Exact Sciences
Classification: Benign for MRPL44-related condition. Last evaluated: 2020-02-14. Review status: no assertion criteria provided. Collection method: clinical testing. Allele origin: germline. Not counted in ClinVar's aggregate classification.
Comment: This variant is classified as benign based on ACMG/AMP sequence variant interpretation guidelines (Richards et al. 2015 PMID: 25741868, with internal and published modifications).

Mayo Clinic Laboratories, Mayo Clinic
Classification: Benign. Last evaluated: 2016-03-16. Review status: no assertion criteria provided. Collection method: clinical testing. Allele origin: unknown. Not counted in ClinVar's aggregate classification.

NM_022915.5(MRPL44):c.624T>C (p.Pro208=)

Gene: MRPL44 (mitochondrial ribosomal protein L44; plus strand). Cytogenetic location: 2q36.1.
Variant type: single nucleotide variant.
Coding change: c.624T>C on transcript NM_022915.5 (MANE Select); coding-DNA position 624, T replaced by C.
Protein change: p.Pro208=; no amino-acid change (proline 208 retained).
Molecular consequence: synonymous variant.
Genome position (GRCh38, 1-based): chr2:223,959,978, T>C. VCF-style: chr2-223959978-T-C. GRCh37 (hg19) VCF-style: chr2-224824695-T-C.
Other names: p.P208P:CCT>CCC.
Identifiers: ClinVar variation 138245 (VCV000138245.18), dbSNP rs35331337, ClinGen allele CA292132.